The following is an entry in ClinVar:

NM_004329.3(BMPR1A):c.935A>G (p.His312Arg)

Gene: BMPR1A (bone morphogenetic protein receptor type 1A; plus strand). Cytogenetic location: 10q23.2.
Variant type: single nucleotide variant.
Coding change: c.935A>G on transcript NM_004329.3 (MANE Select); coding-DNA position 935, A replaced by G.
Protein change: p.His312Arg; replaces histidine 312 with arginine.
Molecular consequence: missense variant.
Genome position (GRCh38, 1-based): chr10:86,919,238, A>G. VCF-style: chr10-86919238-A-G. GRCh37 (hg19) VCF-style: chr10-88678995-A-G.
Other names: short protein forms H312R.
Identifiers: ClinVar variation 1474501 (VCV001474501.7), dbSNP rs2133590084, ClinGen allele CA377460102.

ClinVar aggregate classification (germline): Uncertain significance. Review status: criteria provided, multiple submitters, no conflicts (2 of 4 stars). 2 submissions from 2 submitters: Uncertain significance (2). Last evaluated 2024-05-14.

Conditions:
Juvenile polyposis syndrome (JPS). Identifiers: Orphanet 2929, MedGen C0345893, MONDO:0017380, OMIM 174900.

Submissions (2):

All of Us Research Program, National Institutes of Health
Classification: Uncertain significance for Juvenile polyposis syndrome. Last evaluated: 2024-05-14. Review status: criteria provided, single submitter. Criteria: ACMG Guidelines, 2015. Collection method: clinical testing. Allele origin: germline. Inheritance: Autosomal dominant inheritance. Observed: 1 variant allele, 1 heterozygote.
Comment: This missense variant replaces histidine with arginine at codon 312 of the BMPR1A protein. Computational prediction suggests that this variant may have deleterious impact on protein structure and function (internally defined REVEL score threshold >= 0.7, PMID: 27666373). To our knowledge, functional studies have not been reported for this variant. This variant has not been reported in individuals affected with BMPR1A-related disorders in the literature. This variant has not been identified in the general population by the Genome Aggregation Database (gnomAD). The available evidence is insufficient to determine the role of this variant in disease conclusively. Therefore, this variant is classified as a Variant of Uncertain Significance.

This study involves interpretation of variants in research participants for the purpose of population health screening. Participant phenotype was not available at the time of variant classification. Additional details can be found in publication PMID: 35346344, PMCID: PMC8962531

Labcorp Genetics (formerly Invitae), Labcorp
Classification: Uncertain significance for Juvenile polyposis syndrome. Last evaluated: 2021-08-23. Review status: criteria provided, single submitter. Criteria: Invitae Variant Classification Sherloc (09022015). Collection method: clinical testing. Allele origin: germline.
Comment: This variant is not present in population databases (ExAC no frequency). This sequence change replaces histidine with arginine at codon 312 of the BMPR1A protein (p.His312Arg). The histidine residue is highly conserved and there is a small physicochemical difference between histidine and arginine. This variant has not been reported in the literature in individuals affected with BMPR1A-related conditions. Advanced modeling of protein sequence and biophysical properties (such as structural, functional, and spatial information, amino acid conservation, physicochemical variation, residue mobility, and thermodynamic stability) performed at Invitae indicates that this missense variant is expected to disrupt BMPR1A protein function. In summary, the available evidence is currently insufficient to determine the role of this variant in disease. Therefore, it has been classified as a Variant of Uncertain Significance.